The following is an entry in ClinVar:

NM_001098484.3(SLC4A4):c.*2152G>T

Gene: SLC4A4 (solute carrier family 4 member 4; plus strand). Cytogenetic location: 4q13.3.
Variant type: single nucleotide variant.
Coding change: c.*2152G>T on transcript NM_001098484.3 (MANE Select); 2152 bases downstream of the stop codon, G replaced by T.
Molecular consequence: 3 prime UTR variant.
Genome position (GRCh38, 1-based): chr4:71,569,903, G>T. VCF-style: chr4-71569903-G-T. GRCh37 (hg19) VCF-style: chr4-72435620-G-T.
Other names: c.*2010G>T (NM_001134742.2); c.*2152G>T (NM_003759.4).
Identifiers: ClinVar variation 907899 (VCV000907899.4), dbSNP rs151178899, ClinGen allele CA99475907.

ClinVar aggregate classification (germline): Benign (1 of 4 stars; one submission).

Conditions:
Autosomal recessive proximal renal tubular acidosis (PRTAO). Also called: RENAL TUBULAR ACIDOSIS, PROXIMAL, WITH OCULAR ABNORMALITIES AND MENTAL RETARDATION; RENAL TUBULAR ACIDOSIS, PROXIMAL, WITH OCULAR ABNORMALITIES AND IMPAIRED INTELLECTUAL DEVELOPMENT; PROXIMAL RENAL TUBULAR ACIDOSIS-OCULAR ANOMALY SYNDROME; RTA, PROXIMAL, AUTOSOMAL RECESSIVE. Identifiers: Orphanet 93607, MedGen C1970309, MONDO:0011422, OMIM 604278.

Allele frequency attached by ClinVar (database versions not stated): gnomAD 0.00461 and 0.00498; TOPMed 0.00524; 1000 Genomes Project 30x 0.00609; 1000 Genomes Project 0.00619.
gnomAD v4.1: 694 of 151,718 alleles (0.46%); highest among the groups gnomAD compares: African/African-American, 1.6%; 7 homozygotes.

Submission:

Illumina Laboratory Services, Illumina
Classification: Benign for Autosomal recessive proximal renal tubular acidosis. Last evaluated: 2018-01-13. Review status: criteria provided, single submitter. Criteria: ICSL Variant Classification Criteria 13 December 2019. Collection method: clinical testing. Allele origin: germline.
Comment: This variant was observed in the ICSL laboratory as part of a predisposition screen in an ostensibly healthy population. It had not been previously curated by ICSL or reported in the Human Gene Mutation Database (HGMD: prior to June 1st, 2018), and was therefore a candidate for classification through an automated scoring system. Utilizing variant allele frequency, disease prevalence and penetrance estimates, and inheritance mode, an automated score was calculated to assess if this variant is too frequent to cause the disease. Based on the score and internal cut-off values, a variant classified as benign is not then subjected to further curation. The score for this variant resulted in a classification of benign for this disease.